The following is an entry in ClinVar:

NM_020778.5(ALPK3):c.2385_2386del (p.Gly796fs)

Gene: ALPK3 (alpha kinase 3; plus strand). Cytogenetic location: 15q25.3.
Variant type: Deletion.
Coding change: c.2385_2386del on transcript NM_020778.5 (MANE Select); coding-DNA positions 2385 to 2386, 2 bases deleted (AG; older notation c.2385_2386delAG).
Protein change: p.Gly796fs; shifts the reading frame from glycine 796.
Molecular consequence: frameshift variant.
Genome position (GRCh38, 1-based): chr15:84,857,123-84,857,124, AG deleted. VCF-style (leftmost placement, unchanged base first): chr15-84857122-CAG-C. GRCh37 (hg19) VCF-style: chr15-85400353-CAG-C.
Other names: short protein forms G796fs.
Identifiers: ClinVar variation 4704765 (VCV004704765.1).

ClinVar aggregate classification (germline): Pathogenic (1 of 4 stars; one submission).

Submission:

Labcorp Genetics (formerly Invitae), Labcorp
Classification: Pathogenic. Last evaluated: 2025-03-26. Review status: criteria provided, single submitter. Criteria: Invitae Variant Classification Sherloc (09022015). Collection method: clinical testing. Allele origin: germline.
Comment: This sequence change creates a premature translational stop signal (p.Gly998Glufs*11) in the ALPK3 gene. It is expected to result in an absent or disrupted protein product. Loss-of-function variants in ALPK3 are known to be pathogenic (PMID: 21441111, 26846950, 27106955, 34263907). This variant is not present in population databases (gnomAD no frequency). This variant has not been reported in the literature in individuals affected with ALPK3-related conditions. For these reasons, this variant has been classified as Pathogenic.

Literature cited by the submitters: PubMed 21441111; PubMed 26846950; PubMed 27106955; PubMed 34263907.